The following is an entry in ClinVar:

ClinVar aggregate classification (germline): Uncertain significance (1 of 4 stars; one submission).

Conditions:
Brugada syndrome 4 (BRGDA4). Identifiers: Orphanet 130, MedGen C2678477, MONDO:0012743, OMIM 611876.

Allele frequency attached by ClinVar (database versions not stated): gnomAD exomes below 0.00001.
gnomAD v4.1: 1 of 1,613,940 alleles (0.000062%); highest among the groups gnomAD compares: Non-Finnish European, 0.000085%; no homozygotes.

Submission:

Labcorp Genetics (formerly Invitae), Labcorp
Classification: Uncertain significance for Brugada syndrome 4. Last evaluated: 2022-03-09. Review status: criteria provided, single submitter. Criteria: Invitae Variant Classification Sherloc (09022015). Collection method: clinical testing. Allele origin: germline.
Comment: In summary, the available evidence is currently insufficient to determine the role of this variant in disease. Therefore, it has been classified as a Variant of Uncertain Significance. Algorithms developed to predict the effect of missense changes on protein structure and function are either unavailable or do not agree on the potential impact of this missense change (SIFT: "Tolerated"; PolyPhen-2: "Possibly Damaging"; Align-GVGD: "Class C0"). This variant has not been reported in the literature in individuals affected with CACNB2-related conditions. This variant is not present in population databases (gnomAD no frequency). This sequence change replaces alanine, which is neutral and non-polar, with proline, which is neutral and non-polar, at codon 438 of the CACNB2 protein (p.Ala438Pro).

NM_201596.3(CACNB2):c.1474G>C (p.Ala492Pro)

Gene: CACNB2 (calcium voltage-gated channel auxiliary subunit beta 2; plus strand). Cytogenetic location: 10p12.31.
Variant type: single nucleotide variant.
Coding change: c.1474G>C on transcript NM_201596.3 (MANE Select); coding-DNA position 1474, G replaced by C.
Protein change: p.Ala492Pro; replaces alanine 492 with proline.
Molecular consequence: missense variant.
Genome position (GRCh38, 1-based): chr10:18,538,351, G>C. VCF-style: chr10-18538351-G-C. GRCh37 (hg19) VCF-style: chr10-18827280-G-C.
Other names: c.1309G>C, p.Ala437Pro (NM_000724.4); c.1276G>C, p.Ala426Pro (NM_001167945.2); c.1195G>C, p.Ala399Pro (NM_001330060.2); c.1216G>C, p.Ala406Pro (NM_001410882.1); c.1330G>C, p.Ala444Pro (NM_201570.3); c.1390G>C, p.Ala464Pro (NM_201571.4); c.1318G>C, p.Ala440Pro (NM_201572.4); c.1312G>C, p.Ala438Pro (NM_201590.3); and 2 more; short protein forms A399P, A426P, A444P, A406P, A468P, A492P, A438P, A437P.
Identifiers: ClinVar variation 2108102 (VCV002108102.4), dbSNP rs2494881093, ClinGen allele CA376070631.